The following is an entry in ClinVar:

ClinVar aggregate classification (germline): Uncertain significance. Review status: criteria provided, multiple submitters, no conflicts (2 of 4 stars). 8 submissions from 4 submitters: Uncertain significance (8). Last evaluated 2025-06-16.

Conditions:
Hyperkalemic periodic paralysis. Also called: Familial hyperkalemic periodic paralysis; Gamstorp disease. Identifiers: Orphanet 682, MedGen C0238357, MONDO:0008224, OMIM 170500, HP:0007215.
Congenital myasthenic syndrome 16. Identifiers: Orphanet 590, MedGen C3280112, MONDO:0013620, OMIM 614198.
Hypokalemic periodic paralysis, type 1. Also called: Hypokalemic Periodic Paralysis Type 1 (AD); HypoPP. Identifiers: Orphanet 681, MedGen C3714580, MONDO:0042979, OMIM 170400.
Paramyotonia congenita of Von Eulenburg. Also called: Myotonia congenita intermittens; Von Eulenburg paramyotonia congenita; Paramyotonia Congenita; PARALYSIS PERIODICA PARAMYOTONICA; Eulenburg disease. Identifiers: Orphanet 684, MedGen C0221055, MONDO:0008195, OMIM 168300. Disease mechanism: loss of function.
Hypokalemic periodic paralysis, type 2 (HOKPP2). Identifiers: Orphanet 681, MedGen C2750061, MONDO:0013234, OMIM 613345.
Potassium-aggravated myotonia. Also called: Myotonia congenita, atypical, acetazolamide-responsive; MYOTONIA CONGENITA, ACETAZOLAMIDE-RESPONSIVE; MYOTONIA CONGENITA, ATYPICAL; SODIUM CHANNEL MUSCLE DISEASE. Identifiers: Orphanet 612, Orphanet 99734, Orphanet 99735, Orphanet 99736, MedGen C2931826, MONDO:0018959, OMIM 608390.

Allele frequency attached by ClinVar (database versions not stated): TOPMed 0.00002; gnomAD 0.00001.

Submissions (8):

Labcorp Genetics (formerly Invitae), Labcorp
Classification: Uncertain significance for Hyperkalemic periodic paralysis. Last evaluated: 2025-06-16. Review status: criteria provided, single submitter. Criteria: Invitae Variant Classification Sherloc (09022015). Collection method: clinical testing. Allele origin: germline.
Comment: This sequence change replaces glycine, which is neutral and non-polar, with glutamic acid, which is acidic and polar, at codon 1802 of the SCN4A protein (p.Gly1802Glu). This variant is present in population databases (rs749251685, gnomAD 0.01%). This variant has not been reported in the literature in individuals affected with SCN4A-related conditions. ClinVar contains an entry for this variant (Variation ID: 569570). Invitae Evidence Modeling of protein sequence and biophysical properties (such as structural, functional, and spatial information, amino acid conservation, physicochemical variation, residue mobility, and thermodynamic stability) indicates that this missense variant is not expected to disrupt SCN4A protein function with a negative predictive value of 95%. In summary, the available evidence is currently insufficient to determine the role of this variant in disease. Therefore, it has been classified as a Variant of Uncertain Significance.

Revvity Omics, Revvity
Classification: Uncertain significance. Last evaluated: 2022-07-11. Review status: criteria provided, single submitter. Criteria: ACMG Guidelines, 2015. Collection method: clinical testing. Allele origin: germline.

Fulgent Genetics
Classification: Uncertain significance for Paramyotonia congenita of Von Eulenburg; Hypokalemic periodic paralysis, type 1; Hyperkalemic periodic paralysis; Potassium-aggravated myotonia; Hypokalemic periodic paralysis, type 2; Congenital myasthenic syndrome 16. Last evaluated: 2022-02-18. Review status: criteria provided, single submitter. Criteria: ACMG Guidelines, 2015. Collection method: clinical testing. Allele origin: unknown.

Illumina Laboratory Services, Illumina
Classification: Uncertain significance for Potassium-aggravated myotonia. Last evaluated: 2018-01-13. Review status: criteria provided, single submitter. Criteria: ICSL Variant Classification Criteria 13 December 2019. Collection method: clinical testing. Allele origin: germline.

Illumina Laboratory Services, Illumina
Classification: Uncertain significance for Paramyotonia congenita of Von Eulenburg. Last evaluated: 2018-01-13. Review status: criteria provided, single submitter. Criteria: ICSL Variant Classification Criteria 13 December 2019. Collection method: clinical testing. Allele origin: germline.

Illumina Laboratory Services, Illumina
Classification: Uncertain significance for Congenital myasthenic syndrome 16. Last evaluated: 2018-01-13. Review status: criteria provided, single submitter. Criteria: ICSL Variant Classification Criteria 13 December 2019. Collection method: clinical testing. Allele origin: germline.

Illumina Laboratory Services, Illumina
Classification: Uncertain significance for Hypokalemic periodic paralysis, type 2. Last evaluated: 2018-01-13. Review status: criteria provided, single submitter. Criteria: ICSL Variant Classification Criteria 13 December 2019. Collection method: clinical testing. Allele origin: germline.

Illumina Laboratory Services, Illumina
Classification: Uncertain significance for Hyperkalemic periodic paralysis. Last evaluated: 2018-01-13. Review status: criteria provided, single submitter. Criteria: ICSL Variant Classification Criteria 13 December 2019. Collection method: clinical testing. Allele origin: germline.

NM_000334.4(SCN4A):c.5405G>A (p.Gly1802Glu)

Genes: GH-LCR (growth hormone locus control region; plus strand), SCN4A (sodium voltage-gated channel alpha subunit 4; minus strand). Cytogenetic location: 17q23.3.
Variant type: single nucleotide variant.
Coding change: c.5405G>A on transcript NM_000334.4 (MANE Select); coding-DNA position 5405, G replaced by A.
Protein change: p.Gly1802Glu; replaces glycine 1802 with glutamic acid.
Molecular consequence: missense variant.
Genome position (GRCh38, 1-based): chr17:63,940,877, C>T on the plus strand (G>A on the coding strand, the complement: SCN4A is on the minus strand). VCF-style: chr17-63940877-C-T. GRCh37 (hg19) VCF-style: chr17-62018237-C-T.
Other names: short protein forms G1802E.
Identifiers: ClinVar variation 569570 (VCV000569570.17), dbSNP rs749251685, ClinGen allele CA8708761.